The following is an entry in ClinVar:

ClinVar aggregate classification (germline): Uncertain significance (1 of 4 stars; one submission).

gnomAD v4.1: 1 of 1,570,150 alleles (0.000064%); highest among the groups gnomAD compares: Non-Finnish European, 0.000086%; no homozygotes.

Submission:

GeneDx
Classification: Uncertain significance. Last evaluated: 2023-07-24. Review status: criteria provided, single submitter. Criteria: GeneDx Variant Classification Process June 2021. Collection method: clinical testing. Allele origin: germline. Affected: yes.
Comment: Has not been previously published as pathogenic or benign to our knowledge; Not observed at significant frequency in large population cohorts (gnomAD); Occurs in the triple helical domain at the X position in the canonical Gly-X-Y repeat; although this variant may have an effect on normal protein folding and function, missense substitution at the X position is not a common mechanism of disease (HGMD); In silico analysis supports that this missense variant has a deleterious effect on protein structure/function

NM_000089.4(COL1A2):c.1850C>G (p.Pro617Arg)

Gene: COL1A2 (collagen type I alpha 2 chain; plus strand). Cytogenetic location: 7q21.3.
Variant type: single nucleotide variant.
Coding change: c.1850C>G on transcript NM_000089.4 (MANE Select); coding-DNA position 1850, C replaced by G.
Protein change: p.Pro617Arg; replaces proline 617 with arginine.
Molecular consequence: missense variant.
Genome position (GRCh38, 1-based): chr7:94,416,490, C>G. VCF-style: chr7-94416490-C-G. GRCh37 (hg19) VCF-style: chr7-94045802-C-G.
Other names: short protein forms P617R.
Identifiers: ClinVar variation 3361538 (VCV003361538.1).
Genomic context (GRCh38, chr7:94,416,490, plus strand): 5'-GTGGTGCTGCCGGTCCTACTGGTCCTATTGGAAGCCGAGGTCCTTCTGGACCCCCAGGGC[C>G]TGATGGAAACAAGGTAAAATCTTATGTTTTCTATATTGCTGGTTTGGCCCAGTCTGCCTG-3'
Protein context (NP_000080.2, residues 607-627): GSRGPSGPPG[Pro617Arg]DGNKGEPGVV